The following is an entry in ClinVar:

NM_001164277.2(SLC37A4):c.347T>C (p.Leu116Pro)

Gene: SLC37A4 (solute carrier family 37 member 4; minus strand). Cytogenetic location: 11q23.3.
Variant type: single nucleotide variant.
Coding change: c.347T>C on transcript NM_001164277.2 (MANE Select); coding-DNA position 347, T replaced by C.
Protein change: p.Leu116Pro; replaces leucine 116 with proline.
Molecular consequence: missense variant.
Genome position (GRCh38, 1-based): chr11:119,028,228, A>G on the plus strand (T>C on the coding strand, the complement: SLC37A4 is on the minus strand). VCF-style: chr11-119028228-A-G. GRCh37 (hg19) VCF-style: chr11-118898938-A-G.
Other names: c.347T>C, p.Leu116Pro (NM_001164278.2, NM_001164280.2, NM_001467.6); c.128T>C, p.Leu43Pro (NM_001164279.2); short protein forms L43P, L116P.
Identifiers: ClinVar variation 2882219 (VCV002882219.3), dbSNP rs781952950, ClinGen allele CA6311857.

ClinVar aggregate classification (germline): Uncertain significance (1 of 4 stars; one submission).

Conditions:
Glucose-6-phosphate transport defect (GSD1B). Also called: Glycogen Storage Disease Type Ib; GSD Ib. Identifiers: Orphanet 364, Orphanet 79259, MedGen C0268146, MONDO:0009288, OMIM 232220.

Allele frequency attached by ClinVar (database versions not stated): gnomAD exomes below 0.00001; TOPMed below 0.00001; ExAC 0.00002.

Submission:

Labcorp Genetics (formerly Invitae), Labcorp
Classification: Uncertain significance for Glucose-6-phosphate transport defect. Last evaluated: 2023-11-13. Review status: criteria provided, single submitter. Criteria: Invitae Variant Classification Sherloc (09022015). Collection method: clinical testing. Allele origin: germline.
Comment: This sequence change replaces leucine, which is neutral and non-polar, with proline, which is neutral and non-polar, at codon 116 of the SLC37A4 protein (p.Leu116Pro). The frequency data for this variant in the population databases is considered unreliable, as metrics indicate poor data quality at this position in the gnomAD database. This variant has not been reported in the literature in individuals affected with SLC37A4-related conditions. Advanced modeling of protein sequence and biophysical properties (such as structural, functional, and spatial information, amino acid conservation, physicochemical variation, residue mobility, and thermodynamic stability) performed at Invitae indicates that this missense variant is not expected to disrupt SLC37A4 protein function with a negative predictive value of 80%. In summary, the available evidence is currently insufficient to determine the role of this variant in disease. Therefore, it has been classified as a Variant of Uncertain Significance.